The following is an entry in ClinVar:

ClinVar aggregate classification (germline): Uncertain significance (1 of 4 stars; one submission).

Submission:

GeneDx
Classification: Uncertain significance. Last evaluated: 2026-08-25. Review status: criteria provided, single submitter. Criteria: GeneDx Variant Classification Process June 2021. Collection method: clinical testing. Allele origin: germline.
Comment: Not observed at significant frequency in large population cohorts (gnomAD); In silico analysis supports that this missense variant has a deleterious effect on protein structure/function; Has not been previously published as pathogenic or benign to our knowledge

NM_001134673.4(NFIA):c.715G>A (p.Gly239Arg)

Gene: NFIA (nuclear factor I A; plus strand). Cytogenetic location: 1p31.3.
Variant type: single nucleotide variant.
Coding change: c.715G>A on transcript NM_001134673.4 (MANE Select); coding-DNA position 715, G replaced by A.
Protein change: p.Gly239Arg; replaces glycine 239 with arginine.
Molecular consequence: missense variant.
Genome position (GRCh38, 1-based): chr1:61,352,464, G>A. VCF-style: chr1-61352464-G-A. GRCh37 (hg19) VCF-style: chr1-61818136-G-A.
Other names: c.691G>A, p.Gly231Arg (NM_001145511.2); c.850G>A, p.Gly284Arg (NM_001145512.2); c.715G>A, p.Gly239Arg (NM_005595.5); short protein forms G231R, G239R, G284R.
Identifiers: ClinVar variation 3384577 (VCV003384577.2).